The following is an entry in ClinVar:

ClinVar aggregate classification (germline): Uncertain significance. Review status: criteria provided, multiple submitters, no conflicts (2 of 4 stars). 2 submissions from 2 submitters: Uncertain significance (2). Last evaluated 2024-11-03.

Conditions:
Hereditary cancer-predisposing syndrome. Also called: Neoplastic Syndromes, Hereditary; Hereditary Cancer Syndrome; Tumor predisposition; Hereditary neoplastic syndrome. Identifiers: Orphanet 140162, MedGen C0027672, MeSH D009386, MONDO:0015356.
Ataxia-telangiectasia syndrome (AT). Also called: LOUIS-BAR SYNDROME; Cerebello-oculocutaneous telangiectasia; Immunodeficiency with ataxia telangiectasia; Ataxia-telangiectasia, complementation group D; AT, COMPLEMENTATION GROUP C; Ataxia-telangiectasia, complementation group E. Identifiers: Orphanet 100, MedGen C0004135, MONDO:0008840, OMIM 208900.

Submissions (2):

Labcorp Genetics (formerly Invitae), Labcorp
Classification: Uncertain significance for Ataxia-telangiectasia syndrome. Last evaluated: 2024-11-03. Review status: criteria provided, single submitter. Criteria: Invitae Variant Classification Sherloc (09022015). Collection method: clinical testing. Allele origin: germline.
Comment: This sequence change replaces alanine, which is neutral and non-polar, with isoleucine, which is neutral and non-polar, at codon 2040 of the ATM protein (p.Ala2040Ile). This variant is present in population databases (no rsID available, gnomAD 0.0004%). This variant has not been reported in the literature in individuals affected with ATM-related conditions. ClinVar contains an entry for this variant (Variation ID: 485179). An algorithm developed to predict the effect of missense changes on protein structure and function (PolyPhen-2) suggests that this variant is likely to be disruptive. In summary, the available evidence is currently insufficient to determine the role of this variant in disease. Therefore, it has been classified as a Variant of Uncertain Significance.

Ambry Genetics
Classification: Uncertain significance for Hereditary cancer-predisposing syndrome. Last evaluated: 2023-04-26. Review status: criteria provided, single submitter. Criteria: Ambry Variant Classification Scheme 2023. Collection method: clinical testing. Allele origin: germline.
Comment: The c.6118_6119delGCinsAT variant (also known as p.A2040I), located in coding exon 41 of the ATM gene, results from an in-frame deletion of GC and insertion of AT at nucleotide positions 6118 to 6119. This results in the substitution of the alanine residue for an isoleucine residue at codon 2040, an amino acid with similar properties. This amino acid position is highly conserved in available vertebrate species. In addition, the in silico prediction for this alteration is inconclusive (Choi Y et al. PLoS ONE. 2012; 7(10):e46688). Since supporting evidence is limited at this time, the clinical significance of this alteration remains unclear.

NM_000051.4(ATM):c.6118_6119delinsAT (p.Ala2040Ile)

Genes: ATM (ATM serine/threonine kinase; plus strand), C11orf65 (chromosome 11 open reading frame 65; minus strand). Cytogenetic location: 11q22.3.
Variant type: Indel.
Coding change: c.6118_6119delinsAT on transcript NM_000051.4 (MANE Select); coding-DNA positions 6118 to 6119, GC replaced by AT.
Protein change: p.Ala2040Ile; replaces alanine 2040 with isoleucine.
Molecular consequence: missense variant. On other transcripts: intron variant (2).
Genome position (GRCh38, 1-based): chr11:108,316,033-108,316,034, GC replaced by AT. VCF-style: chr11-108316033-GC-AT. GRCh37 (hg19) VCF-style: chr11-108186760-GC-AT.
Other names: c.6118_6119delinsAT, p.Ala2040Ile (NM_001351834.2); c.641-6963_641-6962delinsAT (NM_001330368.2); c.*39-6963_*39-6962delinsAT (NM_001351110.2); short protein forms A2040I.
Identifiers: ClinVar variation 485179 (VCV000485179.13), dbSNP rs1555113730, ClinGen allele CA658656189.